The following is an entry in ClinVar:

NM_000326.5(RLBP1):c.117G>C (p.Gln39His)

Gene: RLBP1 (retinaldehyde binding protein 1; minus strand). Cytogenetic location: 15q26.1.
Variant type: single nucleotide variant.
Coding change: c.117G>C on transcript NM_000326.5 (MANE Select); coding-DNA position 117, G replaced by C.
Protein change: p.Gln39His; replaces glutamine 39 with histidine.
Molecular consequence: missense variant.
Genome position (GRCh38, 1-based): chr15:89,218,589, C>G on the plus strand (G>C on the coding strand, the complement: RLBP1 is on the minus strand). VCF-style: chr15-89218589-C-G. GRCh37 (hg19) VCF-style: chr15-89761820-C-G.
Other names: short protein forms Q39H.
Identifiers: ClinVar variation 1490614 (VCV001490614.8), dbSNP rs2051601227, ClinGen allele CA393731703.

ClinVar aggregate classification (germline): Uncertain significance (1 of 4 stars; one submission).

Submission:

Labcorp Genetics (formerly Invitae), Labcorp
Classification: Uncertain significance. Last evaluated: 2020-11-16. Review status: criteria provided, single submitter. Criteria: Invitae Variant Classification Sherloc (09022015). Collection method: clinical testing. Allele origin: germline.
Comment: This sequence change replaces glutamine with histidine at codon 39 of the RLBP1 protein (p.Gln39His). The glutamine residue is weakly conserved and there is a small physicochemical difference between glutamine and histidine. This variant is not present in population databases (ExAC no frequency). This variant has not been reported in the literature in individuals with RLBP1-related conditions. Algorithms developed to predict the effect of missense changes on protein structure and function (SIFT, PolyPhen-2, Align-GVGD) all suggest that this variant is likely to be tolerated, but these predictions have not been confirmed by published functional studies and their clinical significance is uncertain. In summary, the available evidence is currently insufficient to determine the role of this variant in disease. Therefore, it has been classified as a Variant of Uncertain Significance.